The following is an entry in ClinVar:

ClinVar aggregate classification (germline): Uncertain significance (1 of 4 stars; one submission).

gnomAD v4.1: 1 of 1,595,536 alleles (0.000063%); highest among the groups gnomAD compares: Non-Finnish European, 0.000086%; no homozygotes.

Submission:

Labcorp Genetics (formerly Invitae), Labcorp
Classification: Uncertain significance. Last evaluated: 2024-05-14. Review status: criteria provided, single submitter. Criteria: Invitae Variant Classification Sherloc (09022015). Collection method: clinical testing. Allele origin: germline.
Comment: This sequence change falls in intron 19 of the KMT2A gene. It does not directly change the encoded amino acid sequence of the KMT2A protein. It affects a nucleotide within the consensus splice site. This variant is not present in population databases (gnomAD no frequency). This variant has not been reported in the literature in individuals affected with KMT2A-related conditions. Variants that disrupt the consensus splice site are a relatively common cause of aberrant splicing (PMID: 17576681, 9536098). Algorithms developed to predict the effect of sequence changes on RNA splicing suggest that this variant is not likely to affect RNA splicing. In summary, the available evidence is currently insufficient to determine the role of this variant in disease. Therefore, it has been classified as a Variant of Uncertain Significance.

Literature cited by the submitters: PubMed 17576681; PubMed 9536098.

NM_001197104.2(KMT2A):c.5557+6C>G

Gene: KMT2A (lysine methyltransferase 2A; plus strand). Cytogenetic location: 11q23.3.
Variant type: single nucleotide variant.
Coding change: c.5557+6C>G on transcript NM_001197104.2 (MANE Select); 6 bases into the intron after coding-DNA position 5557, C replaced by G.
Molecular consequence: intron variant.
Genome position (GRCh38, 1-based): chr11:118,495,899, C>G. VCF-style: chr11-118495899-C-G. GRCh37 (hg19) VCF-style: chr11-118366614-C-G.
Other names: c.5647+6C>G (NM_001412597.1); c.5548+6C>G (NM_005933.4).
Identifiers: ClinVar variation 3668051 (VCV003668051.2).